The following is an entry in ClinVar:

ClinVar aggregate classification (germline): Uncertain significance (1 of 4 stars; one submission).

Conditions:
Werner syndrome (WRN). Identifiers: Orphanet 902, MedGen C0043119, MONDO:0010196, OMIM 277700.

Allele frequency attached by ClinVar (database versions not stated): gnomAD exomes below 0.00001.
gnomAD v4.1: 2 of 1,612,838 alleles (0.00012%); highest among the groups gnomAD compares: Non-Finnish European, 0.00017%; no homozygotes.

Submission:

Labcorp Genetics (formerly Invitae), Labcorp
Classification: Uncertain significance for Werner syndrome. Last evaluated: 2025-02-10. Review status: criteria provided, single submitter. Criteria: Invitae Variant Classification Sherloc (09022015). Collection method: clinical testing. Allele origin: germline.
Comment: This sequence change replaces glycine, which is neutral and non-polar, with aspartic acid, which is acidic and polar, at codon 827 of the WRN protein (p.Gly827Asp). This variant is not present in population databases (gnomAD no frequency). This variant has not been reported in the literature in individuals affected with WRN-related conditions. ClinVar contains an entry for this variant (Variation ID: 1062208). An algorithm developed to predict the effect of missense changes on protein structure and function (PolyPhen-2) suggests that this variant is likely to be disruptive. In summary, the available evidence is currently insufficient to determine the role of this variant in disease. Therefore, it has been classified as a Variant of Uncertain Significance.

NM_000553.6(WRN):c.2480G>A (p.Gly827Asp)

Gene: WRN (WRN RecQ like helicase; plus strand). Cytogenetic location: 8p12.
Variant type: single nucleotide variant.
Coding change: c.2480G>A on transcript NM_000553.6 (MANE Select); coding-DNA position 2480, G replaced by A.
Protein change: p.Gly827Asp; replaces glycine 827 with aspartic acid.
Molecular consequence: missense variant.
Genome position (GRCh38, 1-based): chr8:31,120,274, G>A. VCF-style: chr8-31120274-G-A. GRCh37 (hg19) VCF-style: chr8-30977790-G-A.
Other names: short protein forms G827D.
Identifiers: ClinVar variation 1062208 (VCV001062208.3), dbSNP rs1490787455, ClinGen allele CA370915255.